The following is an entry in ClinVar:

ClinVar aggregate classification (germline): Pathogenic/Likely pathogenic. Review status: criteria provided, multiple submitters, no conflicts (2 of 4 stars). 4 submissions from 4 submitters: Pathogenic (3); Likely pathogenic (1). Last evaluated 2025-07-03.

Conditions:
LZTR1-related schwannomatosis. Also called: Schwannomatosis-2, susceptibility to; Schwannomatosis 2. Identifiers: Orphanet 93921, MedGen C3810283, MONDO:0014299, OMIM 615670.
Noonan syndrome 2 (NS2). Identifiers: Orphanet 648, MedGen C1854469, MONDO:0011531, OMIM 605275.
Noonan syndrome 10 (NS10). Identifiers: Orphanet 648, MedGen C4225280, MONDO:0014693, OMIM 616564.
Hereditary cancer-predisposing syndrome. Also called: Neoplastic Syndromes, Hereditary; Hereditary Cancer Syndrome; Hereditary neoplastic syndrome; Tumor predisposition. Identifiers: Orphanet 140162, MedGen C0027672, MeSH D009386, MONDO:0015356.
Cardiovascular phenotype. Identifiers: MedGen CN230736.

Submissions (4):

Ambry Genetics
Classification: Pathogenic for Cardiovascular phenotype; Hereditary cancer-predisposing syndrome. Last evaluated: 2025-07-03. Review status: criteria provided, single submitter. Criteria: Ambry Variant Classification Scheme 2023. Collection method: clinical testing. Allele origin: germline.
Comment: The p.Y759* pathogenic mutation (also known as c.2277C>G), located in coding exon 19 of the LZTR1 gene, results from a C to G substitution at nucleotide position 2277. This changes the amino acid from a tyrosine to a stop codon within coding exon 19. This alteration is expected to result in loss of function by premature protein truncation or nonsense-mediated mRNA decay. Loss-of-function variants in LZTR1 are related to an increased risk for schwannomas and autosomal recessive Noonan syndrome; however, such associations with autosomal dominant Noonan syndrome have not been observed (Piotrowski A et al. Nat Genet. 2014 Feb;46:182-7; Yamamoto GL et al. J Med Genet. 2015 Jun;52:413-21; Johnston JJ et al. Genet Med. 2018 10;20:1175-1185). This variant is considered to be rare based on population cohorts in the Genome Aggregation Database (gnomAD). Based on the supporting evidence, this variant is pathogenic for an increased risk of LZTR1-related schwannomatosis (SWN) and would be expected to cause autosomal recessive Noonan syndrome when present along with a second pathogenic or likely pathogenic variant on the other allele; however, the association of this alteration with autosomal dominant Noonan syndrome is unlikely.

Labcorp Genetics (formerly Invitae), Labcorp
Classification: Pathogenic. Last evaluated: 2023-12-17. Review status: criteria provided, single submitter. Criteria: Invitae Variant Classification Sherloc (09022015). Collection method: clinical testing. Allele origin: germline.
Comment: This sequence change creates a premature translational stop signal (p.Tyr759*) in the LZTR1 gene. It is expected to result in an absent or disrupted protein product. Loss-of-function variants in LZTR1 are known to be pathogenic (PMID: 24362817, 25335493, 25480913, 25795793, 29469822, 30368668, 30442762, 30442766, 30481304, 30859559). This variant is not present in population databases (gnomAD no frequency). This variant has not been reported in the literature in individuals affected with LZTR1-related conditions. ClinVar contains an entry for this variant (Variation ID: 1319823). For these reasons, this variant has been classified as Pathogenic.

Institute for Clinical Genetics, University Hospital TU Dresden, University Hospital TU Dresden
Classification: Pathogenic. Last evaluated: 2021-11-03. Review status: criteria provided, single submitter. Criteria: ACMG Guidelines, 2015. Collection method: clinical testing. Allele origin: germline.

Juno Genomics, Hangzhou Juno Genomics, Inc
Classification: Likely pathogenic for LZTR1-related schwannomatosis; Noonan syndrome 10; Noonan syndrome 2. Review status: criteria provided, single submitter. Criteria: ACMG Guidelines, 2015. Collection method: clinical testing. Allele origin: germline.
Comment: Null variant in a gene where loss of function (LOF) is a known mechanism of disease.;Absent from controls (or at extremely low frequency if recessive) in Genome Aggregation Database.

Literature cited by the submitters: PubMed 24362817 (cited by Labcorp Genetics (formerly Invitae), Labcorp); PubMed 25335493 (cited by Labcorp Genetics (formerly Invitae), Labcorp); PubMed 25480913 (cited by Labcorp Genetics (formerly Invitae), Labcorp); PubMed 25795793 (cited by Labcorp Genetics (formerly Invitae), Labcorp); PubMed 29469822 (cited by Labcorp Genetics (formerly Invitae), Labcorp); PubMed 30368668 (cited by Labcorp Genetics (formerly Invitae), Labcorp); PubMed 30442762 (cited by Labcorp Genetics (formerly Invitae), Labcorp); PubMed 30442766 (cited by Labcorp Genetics (formerly Invitae), Labcorp); PubMed 30481304 (cited by Labcorp Genetics (formerly Invitae), Labcorp); PubMed 30859559 (cited by Labcorp Genetics (formerly Invitae), Labcorp).

NM_006767.4(LZTR1):c.2277C>G (p.Tyr759Ter)

Gene: LZTR1 (leucine zipper like post translational regulator 1; plus strand). Cytogenetic location: 22q11.21.
Variant type: single nucleotide variant.
Coding change: c.2277C>G on transcript NM_006767.4 (MANE Select); coding-DNA position 2277, C replaced by G.
Protein change: p.Tyr759Ter; replaces tyrosine 759 with a stop codon.
Molecular consequence: nonsense.
Genome position (GRCh38, 1-based): chr22:20,996,753, C>G. VCF-style: chr22-20996753-C-G. GRCh37 (hg19) VCF-style: chr22-21351042-C-G.
Other names: short protein forms Y759*.
Identifiers: ClinVar variation 1319823 (VCV001319823.9), dbSNP rs997921403, ClinGen allele CA410780843.
Genomic context (GRCh38, chr22:20,996,753, plus strand): 5'-CAGCTACTTGTTTGCGGCCCCCTACTACTACGGCTTCTACAACAACCGGCTGCAGGCGTA[C>G]TGCAAGCAGAACCTGGAGATGAACGTGACGGTGCAGAACGTGCTGCAGGTAGCCCCCCAG-3'